The following is an entry in ClinVar:

NM_004793.4(LONP1):c.1307A>C (p.Asp436Ala)

Gene: LONP1 (lon peptidase 1, mitochondrial; minus strand). Cytogenetic location: 19p13.3.
Variant type: single nucleotide variant.
Coding change: c.1307A>C on transcript NM_004793.4 (MANE Select); coding-DNA position 1307, A replaced by C.
Protein change: p.Asp436Ala; replaces aspartic acid 436 with alanine.
Molecular consequence: missense variant. On other transcripts: non-coding transcript variant (1).
Genome position (GRCh38, 1-based): chr19:5,705,832, T>G on the plus strand (A>C on the coding strand, the complement: LONP1 is on the minus strand). VCF-style: chr19-5705832-T-G. GRCh37 (hg19) VCF-style: chr19-5705843-T-G.
Other names: c.1115A>C, p.Asp372Ala (NM_001276479.2); c.719A>C, p.Asp240Ala (NM_001276480.1); short protein forms D372A, D436A, D240A.
Identifiers: ClinVar variation 4769364 (VCV004769364.1).
Genomic context (GRCh38, chr19:5,705,832, plus strand): 5'-TTGAACTCCGAGGAGTGGTTGTCCAGCAGGCCCAGCTTGCTCAGCTCCTCGTCCACAACA[T>G]CCATGACGTGCTTGGGGACCACGAGCTCCTTCAGGCGCTCCCGGAACTTCTCCTCGATGG-3'
Protein context (NP_004784.2, residues 426-446): KELVVPKHVM[Asp436Ala]VVDEELSKLG

ClinVar aggregate classification (germline): Uncertain significance (1 of 4 stars; one submission).

gnomAD v4.1: 19 of 1,614,122 alleles (0.0012%); highest among the groups gnomAD compares: Non-Finnish European, 0.0016%; no homozygotes.

Submission:

Labcorp Genetics (formerly Invitae), Labcorp
Classification: Uncertain significance. Last evaluated: 2025-04-30. Review status: criteria provided, single submitter. Criteria: Invitae Variant Classification Sherloc (09022015). Collection method: clinical testing. Allele origin: germline.
Comment: This sequence change replaces aspartic acid, which is acidic and polar, with alanine, which is neutral and non-polar, at codon 436 of the LONP1 protein (p.Asp436Ala). This variant is present in population databases (rs763847830, gnomAD 0.0009%). This variant has not been reported in the literature in individuals affected with LONP1-related conditions. Invitae Evidence Modeling of protein sequence and biophysical properties (such as structural, functional, and spatial information, amino acid conservation, physicochemical variation, residue mobility, and thermodynamic stability) indicates that this missense variant is not expected to disrupt LONP1 protein function with a negative predictive value of 95%. In summary, the available evidence is currently insufficient to determine the role of this variant in disease. Therefore, it has been classified as a Variant of Uncertain Significance.